The following is an entry in ClinVar:

ClinVar aggregate classification (germline): Conflicting classifications of pathogenicity. Review status: criteria provided, conflicting classifications (1 of 4 stars). 3 submissions from 3 submitters: Uncertain significance (1); Benign (1); Likely benign (1). Last evaluated 2026-01-04.

Conditions:
CHARGE syndrome (CHARGE). Also called: CHARGE ASSOCIATION--COLOBOMA, HEART ANOMALY, CHOANAL ATRESIA, RETARDATION, GENITAL AND EAR ANOMALIES; Coloboma, heart anomaly, choanal atresia, retardation, genital and ear anomalies; CHARGE association; Hall-Hittner syndrome; Hittner Hirsch Kreh syndrome. Identifiers: Orphanet 138, MedGen C0265354, MONDO:0008965.
Hypogonadotropic hypogonadism 5 with or without anosmia (KAL5). Also called: HYPOGONADOTROPIC HYPOGONADISM 5 WITH ANOSMIA; HYPOGONADOTROPHIC HYPOGONADISM 5 WITHOUT ANOSMIA; CHD7-Related GnRH Deficiency (Kallmann Syndrome 5). Identifiers: Orphanet 478, MedGen C3552553, MONDO:0012880, OMIM 612370. Disease mechanism: loss of function.

Allele frequency attached by ClinVar (database versions not stated): gnomAD 0.00001; gnomAD exomes 0.00001 and 0.00002; TOPMed 0.00003.
gnomAD v4.1: 33 of 1,613,708 alleles (0.002%); highest among the groups gnomAD compares: Middle Eastern, 0.016%; no homozygotes.

Submissions (3):

Labcorp Genetics (formerly Invitae), Labcorp
Classification: Benign for CHARGE syndrome. Last evaluated: 2026-01-04. Review status: criteria provided, single submitter. Criteria: Invitae Variant Classification Sherloc (09022015). Collection method: clinical testing. Allele origin: germline.

Laboratory for Molecular Medicine, Mass General Brigham Personalized Medicine
Classification: Likely benign. Last evaluated: 2018-03-01. Review status: criteria provided, single submitter. Criteria: LMM Criteria. Collection method: clinical testing. Allele origin: germline. Observed: 1 variant allele.
Comment: p.Gly522Gly in exon 2 of CHD7: This variant is not expected to have clinical sig nificance because it does not alter an amino acid residue and is not located wit hin the splice consensus sequence. This variant has been identified in 3/33560 L atino chromosomes by the Genome Aggregation Database (gnomAD; dbSNP rs759347960). ACMG/AMP Criteria applied: BP4, BP7.

Illumina Laboratory Services, Illumina
Classification: Uncertain significance for Kallmann Syndrome 5. Last evaluated: 2018-01-13. Review status: criteria provided, single submitter. Criteria: ICSL Variant Classification Criteria 13 December 2019. Collection method: clinical testing. Allele origin: germline.

NM_017780.4(CHD7):c.1566C>T (p.Gly522=)

Gene: CHD7 (chromodomain helicase DNA binding protein 7; plus strand). Cytogenetic location: 8q12.2.
Variant type: single nucleotide variant.
Coding change: c.1566C>T on transcript NM_017780.4 (MANE Select); coding-DNA position 1566, C replaced by T.
Protein change: p.Gly522=; no amino-acid change (glycine 522 retained).
Molecular consequence: synonymous variant.
Genome position (GRCh38, 1-based): chr8:60,742,998, C>T. VCF-style: chr8-60742998-C-T. GRCh37 (hg19) VCF-style: chr8-61655557-C-T.
Other names: c.1566C>T, p.Gly522= (NM_001316690.1).
Identifiers: ClinVar variation 363447 (VCV000363447.14), dbSNP rs759347960, ClinGen allele CA10625680.